The following is an entry in ClinVar:

ClinVar aggregate classification (germline): Uncertain significance (1 of 4 stars; one submission).

Conditions:
Autosomal recessive mendelian susceptibility to mycobacterial diseases due to a complete deficiency. Identifiers: Orphanet 319535, MedGen C5679890, MONDO:0017897.
Mendelian susceptibility to mycobacterial diseases due to complete IL12B deficiency. Also called: IL12B DEFICIENCY; Immunodeficiency 29. Identifiers: Orphanet 319558, MedGen C4013948, MONDO:0013954, OMIM 614890.

Allele frequency attached by ClinVar (database versions not stated): ESP Exome Variant Server 0.00008; gnomAD 0.00001; TOPMed 0.00003; gnomAD exomes 0.00002; ExAC 0.00002.
gnomAD v4.1: 36 of 1,613,884 alleles (0.0022%); highest among the groups gnomAD compares: Admixed American, 0.0067%; no homozygotes.

Submission:

Labcorp Genetics (formerly Invitae), Labcorp
Classification: Uncertain significance for Mendelian susceptibility to mycobacterial diseases due to complete IL12B deficiency. Last evaluated: 2021-08-28. Review status: criteria provided, single submitter. Criteria: Invitae Variant Classification Sherloc (09022015). Collection method: clinical testing. Allele origin: germline.
Comment: This sequence change affects codon 94 of the IL12B mRNA. It is a 'silent' change, meaning that it does not change the encoded amino acid sequence of the IL12B protein. This variant is present in population databases (rs142017503, ExAC 0.009%). This variant has not been reported in the literature in individuals affected with IL12B-related conditions. Algorithms developed to predict the effect of sequence changes on RNA splicing suggest that this variant may create or strengthen a splice site. In summary, the available evidence is currently insufficient to determine the role of this variant in disease. Therefore, it has been classified as a Variant of Uncertain Significance.

NM_002187.3(IL12B):c.282C>T (p.Gly94=)

Gene: IL12B (interleukin 12B; minus strand). Cytogenetic location: 5q33.3.
Variant type: single nucleotide variant.
Coding change: c.282C>T on transcript NM_002187.3 (MANE Select); coding-DNA position 282, C replaced by T.
Protein change: p.Gly94=; no amino-acid change (glycine 94 retained).
Molecular consequence: synonymous variant.
Genome position (GRCh38, 1-based): chr5:159,323,136, G>A on the plus strand (C>T on the coding strand, the complement: IL12B is on the minus strand). VCF-style: chr5-159323136-G-A. GRCh37 (hg19) VCF-style: chr5-158750144-G-A.
Other names: c.282C>T (NM_002187.2).
Identifiers: ClinVar variation 1471505 (VCV001471505.6), dbSNP rs142017503, ClinGen allele CA3538856.